The following is an entry in ClinVar:

ClinVar aggregate classification (germline): Uncertain significance (1 of 4 stars; one submission).

Submission:

Labcorp Genetics (formerly Invitae), Labcorp
Classification: Uncertain significance. Last evaluated: 2022-02-24. Review status: criteria provided, single submitter. Criteria: Invitae Variant Classification Sherloc (09022015). Collection method: clinical testing. Allele origin: germline.
Comment: This sequence change replaces glutamic acid, which is acidic and polar, with aspartic acid, which is acidic and polar, at codon 957 of the EYS protein (p.Glu957Asp). This variant is not present in population databases (gnomAD no frequency). This variant has not been reported in the literature in individuals affected with EYS-related conditions. ClinVar contains an entry for this variant (Variation ID: 1005085). Algorithms developed to predict the effect of missense changes on protein structure and function (SIFT, PolyPhen-2, Align-GVGD) all suggest that this variant is likely to be tolerated. In summary, the available evidence is currently insufficient to determine the role of this variant in disease. Therefore, it has been classified as a Variant of Uncertain Significance.

NM_001142800.2(EYS):c.2871G>T (p.Glu957Asp)

Gene: EYS (eyes shut homolog; minus strand). Cytogenetic location: 6q12.
Variant type: single nucleotide variant.
Coding change: c.2871G>T on transcript NM_001142800.2 (MANE Select); coding-DNA position 2871, G replaced by T.
Protein change: p.Glu957Asp; replaces glutamic acid 957 with aspartic acid.
Molecular consequence: missense variant.
Genome position (GRCh38, 1-based): chr6:64,886,818, C>A on the plus strand (G>T on the coding strand, the complement: EYS is on the minus strand). VCF-style: chr6-64886818-C-A. GRCh37 (hg19) VCF-style: chr6-65596711-C-A.
Other names: c.2871G>T, p.Glu957Asp (NM_001292009.2); short protein forms E957D.
Identifiers: ClinVar variation 1005085 (VCV001005085.6), dbSNP rs1767104470, ClinGen allele CA364788866.